The following is an entry in ClinVar:

ClinVar aggregate classification (germline): Likely benign (1 of 4 stars; one submission).

Submission:

Laboratory for Molecular Medicine, Mass General Brigham Personalized Medicine
Classification: Likely benign. Last evaluated: 2017-02-11. Review status: criteria provided, single submitter. Criteria: LMM Criteria. Collection method: clinical testing. Allele origin: germline. Observed: 1 variant allele.
Comment: c.732+8_732+11delAGAA in intron 7 of HARS2: This variant is not expected to have clinical significance because it is not located within the splice consensus seq uence. It has been identified in 3/66486 European chromosomes by the Exome Aggre gation Consortium (ExAC; dbSNP rs766254601).

NM_012208.4(HARS2):c.732+8_732+11del

Gene: HARS2 (histidyl-tRNA synthetase 2, mitochondrial; plus strand). Cytogenetic location: 5q31.3.
Variant type: Deletion.
Coding change: c.732+8_732+11del on transcript NM_012208.4 (MANE Select); bases 8 to 11 of the intron after coding-DNA position 732, 4 bases deleted (AGAA; older notation c.732+8_732+11delAGAA).
Molecular consequence: intron variant.
Genome position (GRCh38, 1-based): chr5:140,696,209-140,696,212, AGAA deleted; deleting any 4 consecutive bases within chr5:140,696,207-140,696,212 gives the same sequence; the c. name uses the placement nearest the transcript's 3' end. VCF-style (leftmost placement, unchanged base first): chr5-140696206-CAAAG-C. GRCh37 (hg19) VCF-style: chr5-140075791-CAAAG-C.
Other names: c.300+8_300+11del (NM_001278732.2); c.750+8_750+11del (NM_001363535.2); c.657+8_657+11del (NM_001278731.2); c.522+8_522+11del (NM_001363536.2).
Identifiers: ClinVar variation 517238 (VCV000517238.4), dbSNP rs766254601, ClinGen allele CA3444514.
Genomic context (GRCh38, chr5:140,696,206, plus strand): 5'-GTGTTCCTGAAAGCAAGTTCCGTGCCATCTGCTCCTCCATAGATAAACTAGACAAGGTAA[CAAAG>C]AAGACATACTTCAGTAGACCCTATCTAGCTTCTGCCCTGCCCTCAAATCCATACCACTAG-3'